The following is an entry in ClinVar:

ClinVar aggregate classification (germline): Uncertain significance. Review status: criteria provided, multiple submitters, no conflicts (2 of 4 stars). 5 submissions from 5 submitters: Uncertain significance (4). 1 of the submissions does not count toward it. Last evaluated 2026-01-21.

Conditions:
Hereditary cancer-predisposing syndrome. Also called: Hereditary neoplastic syndrome; Neoplastic Syndromes, Hereditary; Tumor predisposition; Hereditary Cancer Syndrome. Identifiers: Orphanet 140162, MedGen C0027672, MeSH D009386, MONDO:0015356.
Ataxia-telangiectasia syndrome (AT). Also called: LOUIS-BAR SYNDROME; Cerebello-oculocutaneous telangiectasia; Immunodeficiency with ataxia telangiectasia; AT, COMPLEMENTATION GROUP C; Ataxia-telangiectasia, complementation group D; ATAXIA-TELANGIECTASIA, COMPLEMENTATION GROUP A. Identifiers: Orphanet 100, MedGen C0004135, MONDO:0008840, OMIM 208900.

Allele frequency attached by ClinVar (database versions not stated): gnomAD exomes below 0.00001.

Submissions (5):

Labcorp Genetics (formerly Invitae), Labcorp
Classification: Uncertain significance for Ataxia-telangiectasia syndrome. Last evaluated: 2026-01-21. Review status: criteria provided, single submitter. Criteria: Invitae Variant Classification Sherloc (09022015). Collection method: clinical testing. Allele origin: germline.
Comment: This sequence change replaces methionine, which is neutral and non-polar, with threonine, which is neutral and polar, at codon 1321 of the ATM protein (p.Met1321Thr). This variant is present in population databases (no rsID available, gnomAD 0.003%). This variant has not been reported in the literature in individuals affected with ATM-related conditions. ClinVar contains an entry for this variant (Variation ID: 485200). Invitae Evidence Modeling of protein sequence and biophysical properties (such as structural, functional, and spatial information, amino acid conservation, physicochemical variation, residue mobility, and thermodynamic stability) indicates that this missense variant is not expected to disrupt ATM protein function with a negative predictive value of 95%. In summary, the available evidence is currently insufficient to determine the role of this variant in disease. Therefore, it has been classified as a Variant of Uncertain Significance.

Quest Diagnostics Nichols Institute San Juan Capistrano
Classification: Uncertain significance. Last evaluated: 2025-03-13. Review status: criteria provided, single submitter. Criteria: Quest Diagnostics criteria. Collection method: clinical testing. Allele origin: unknown.

Color Diagnostics, LLC DBA Color Health
Classification: Uncertain significance for Hereditary cancer-predisposing syndrome. Last evaluated: 2025-02-03. Review status: criteria provided, single submitter. Criteria: ACMG Guidelines, 2015. Collection method: clinical testing. Allele origin: germline.
Comment: This missense variant replaces methionine with threonine at codon 1321 of the ATM protein. Computational prediction suggests that this variant may not impact protein structure and function. To our knowledge, functional studies have not been reported for this variant. This variant has not been reported in individuals affected with hereditary cancer in the literature. This variant has been identified in 1/251154 chromosomes in the general population by the Genome Aggregation Database (gnomAD). The available evidence is insufficient to determine the role of this variant in disease conclusively. Therefore, this variant is classified as a Variant of Uncertain Significance.

Ambry Genetics
Classification: Uncertain significance for Hereditary cancer-predisposing syndrome. Last evaluated: 2024-02-01. Review status: criteria provided, single submitter. Criteria: Ambry Variant Classification Scheme 2023. Collection method: clinical testing. Allele origin: germline.
Comment: The p.M1321T variant (also known as c.3962T>C), located in coding exon 25 of the ATM gene, results from a T to C substitution at nucleotide position 3962. The methionine at codon 1321 is replaced by threonine, an amino acid with similar properties. This amino acid position is not well conserved in available vertebrate species. In addition, this alteration is predicted to be tolerated by in silico analysis. Since supporting evidence is limited at this time, the clinical significance of this alteration remains unclear.

Natera, Inc.
Classification: Uncertain significance for Ataxia-telangiectasia. Last evaluated: 2021-09-02. Review status: no assertion criteria provided. Collection method: clinical testing. Allele origin: germline. Not counted in ClinVar's aggregate classification.

NM_000051.4(ATM):c.3962T>C (p.Met1321Thr)

Gene: ATM (ATM serine/threonine kinase; plus strand). Cytogenetic location: 11q22.3.
Variant type: single nucleotide variant.
Coding change: c.3962T>C on transcript NM_000051.4 (MANE Select); coding-DNA position 3962, T replaced by C.
Protein change: p.Met1321Thr; replaces methionine 1321 with threonine.
Molecular consequence: missense variant.
Genome position (GRCh38, 1-based): chr11:108,284,442, T>C. VCF-style: chr11-108284442-T-C. GRCh37 (hg19) VCF-style: chr11-108155169-T-C.
Other names: c.3962T>C, p.Met1321Thr (NM_001351834.2); short protein forms M1321T.
Identifiers: ClinVar variation 485200 (VCV000485200.21), dbSNP rs928038643, ClinGen allele CA228368332.